The following is an entry in ClinVar:

ClinVar aggregate classification (germline): Uncertain significance (1 of 4 stars; one submission).

Submission:

Labcorp Genetics (formerly Invitae), Labcorp
Classification: Uncertain significance. Last evaluated: 2022-08-15. Review status: criteria provided, single submitter. Criteria: Invitae Variant Classification Sherloc (09022015). Collection method: clinical testing. Allele origin: germline.
Comment: This sequence change replaces glutamic acid, which is acidic and polar, with aspartic acid, which is acidic and polar, at codon 519 of the TAOK2 protein (p.Glu519Asp). This variant is not present in population databases (gnomAD no frequency). This variant has not been reported in the literature in individuals affected with TAOK2-related conditions. ClinVar contains an entry for this variant (Variation ID: 1513525). Algorithms developed to predict the effect of missense changes on protein structure and function are either unavailable or do not agree on the potential impact of this missense change (SIFT: "Tolerated"; PolyPhen-2: "Possibly Damaging"; Align-GVGD: "Class C0"). In summary, the available evidence is currently insufficient to determine the role of this variant in disease. Therefore, it has been classified as a Variant of Uncertain Significance.

NM_016151.4(TAOK2):c.1557G>T (p.Glu519Asp)

Gene: TAOK2 (TAO kinase 2; plus strand). Cytogenetic location: 16p11.2.
Variant type: single nucleotide variant.
Coding change: c.1557G>T on transcript NM_016151.4 (MANE Select); coding-DNA position 1557, G replaced by T.
Protein change: p.Glu519Asp; replaces glutamic acid 519 with aspartic acid.
Molecular consequence: missense variant.
Genome position (GRCh38, 1-based): chr16:29,985,347, G>T. VCF-style: chr16-29985347-G-T. GRCh37 (hg19) VCF-style: chr16-29996668-G-T.
Other names: c.1557G>T, p.Glu519Asp (NM_001252043.2, NM_004783.4); short protein forms E519D.
Identifiers: ClinVar variation 1513525 (VCV001513525.8), dbSNP rs2150899889, ClinGen allele CA395485519.